The following is an entry in ClinVar:

ClinVar aggregate classification (germline): Uncertain significance (1 of 4 stars; one submission).

Conditions:
Microcephaly-intellectual disability-sensorineural hearing loss-epilepsy-abnormal muscle tone syndrome (NEDHSB). Also called: NEURODEVELOPMENTAL DISORDER WITH HEARING LOSS, SEIZURES, AND BRAIN ABNORMALITIES. Identifiers: Orphanet 457351, MedGen C4225276, MONDO:0014698, OMIM 616577.

Submission:

Labcorp Genetics (formerly Invitae), Labcorp
Classification: Uncertain significance for Microcephaly-intellectual disability-sensorineural hearing loss-epilepsy-abnormal muscle tone syndrome. Last evaluated: 2022-10-25. Review status: criteria provided, single submitter. Criteria: Invitae Variant Classification Sherloc (09022015). Collection method: clinical testing. Allele origin: germline.
Comment: This sequence change replaces leucine, which is neutral and non-polar, with phenylalanine, which is neutral and non-polar, at codon 856 of the SPATA5 protein (p.Leu856Phe). This variant is not present in population databases (gnomAD no frequency). This variant has not been reported in the literature in individuals affected with SPATA5-related conditions. Advanced modeling of protein sequence and biophysical properties (such as structural, functional, and spatial information, amino acid conservation, physicochemical variation, residue mobility, and thermodynamic stability) performed at Invitae indicates that this missense variant is not expected to disrupt SPATA5 protein function. In summary, the available evidence is currently insufficient to determine the role of this variant in disease. Therefore, it has been classified as a Variant of Uncertain Significance.

NM_145207.3(AFG2A):c.2566C>T (p.Leu856Phe)

Gene: AFG2A (AFG2 AAA ATPase homolog A; plus strand). Cytogenetic location: 4q28.1.
Variant type: single nucleotide variant.
Coding change: c.2566C>T on transcript NM_145207.3 (MANE Select); coding-DNA position 2566, C replaced by T.
Protein change: p.Leu856Phe; replaces leucine 856 with phenylalanine.
Molecular consequence: missense variant.
Genome position (GRCh38, 1-based): chr4:123,313,948, C>T. VCF-style: chr4-123313948-C-T. GRCh37 (hg19) VCF-style: chr4-124235103-C-T.
Other names: c.2563C>T, p.Leu855Phe (NM_001345856.2); short protein forms L855F, L856F.
Identifiers: ClinVar variation 2055958 (VCV002055958.1), dbSNP rs919319244, ClinGen allele CA358228780.
Genomic context (GRCh38, chr4:123,313,948, plus strand): 5'-ATTGTAGCTGTCTGCAGAGAGGCAGCTCTTCTGGCTCTGGAAGAAGACATTCAAGCCAAT[C>T]TCATCATGAAAAGACATTTCACTCAGGCCTTGAGCACTGTGACACCTAGAATTCCTGAGT-3'
Protein context (NP_660208.2, residues 846-866): LALEEDIQAN[Leu856Phe]IMKRHFTQAL